The following is an entry in ClinVar:

ClinVar aggregate classification (germline): Uncertain significance (1 of 4 stars; one submission).

Conditions:
BNC2-related disorder. Also called: BNC2-related condition.

gnomAD v4.1: 2 of 1,606,490 alleles (0.00012%); highest among the groups gnomAD compares: Non-Finnish European, 0.00017%; no homozygotes.

Submission:

PreventionGenetics, part of Exact Sciences
Classification: Uncertain significance for BNC2-related condition. Last evaluated: 2025-08-15. Review status: criteria provided, single submitter. Criteria: ACMG Guidelines, 2015. Collection method: clinical testing. Allele origin: germline.
Comment: The BNC2 c.2867A>T variant is predicted to result in the amino acid substitution p.Asp956Val. To our knowledge, this variant has not been reported in the literature or in a large population database (gnomAD), indicating this variant is rare. At this time, the clinical significance of this variant is uncertain due to the absence of conclusive functional and genetic evidence.

NM_017637.6(BNC2):c.2867A>T (p.Asp956Val)

Gene: BNC2 (basonuclin zinc finger protein 2; minus strand). Cytogenetic location: 9p22.3.
Variant type: single nucleotide variant.
Coding change: c.2867A>T on transcript NM_017637.6 (MANE Select); coding-DNA position 2867, A replaced by T.
Protein change: p.Asp956Val; replaces aspartic acid 956 with valine.
Molecular consequence: missense variant. On other transcripts: 3 prime UTR variant (1).
Genome position (GRCh38, 1-based): chr9:16,419,422, T>A on the plus strand (A>T on the coding strand, the complement: BNC2 is on the minus strand). VCF-style: chr9-16419422-T-A. GRCh37 (hg19) VCF-style: chr9-16419420-T-A.
Other names: c.*211A>T (NM_001317939.2); c.2582A>T, p.Asp861Val (NM_001317940.2); short protein forms D861V, D956V.
Identifiers: ClinVar variation 4990455 (VCV004990455.1).
Genomic context (GRCh38, chr9:16,419,422, plus strand): 5'-GAATGGATACTGCTGCTGGACTGGAGGCTGGAGGTGGTGCTCAAGTCAAGGACCATGTAG[T>A]CCTCTGCCATGCCTCTCCCATACCCGTTCAGGTGGGAGTCTTCAGTCCCTGCGGGAGAGG-3'
Protein context (NP_060107.3, residues 946-966): LNGYGRGMAE[Asp956Val]YMVLDLSTTS